The following is an entry in ClinVar:

NM_000260.4(MYO7A):c.4222C>G (p.Arg1408Gly)

Gene: MYO7A (myosin VIIA; plus strand). Cytogenetic location: 11q13.5.
Variant type: single nucleotide variant.
Coding change: c.4222C>G on transcript NM_000260.4 (MANE Select); coding-DNA position 4222, C replaced by G.
Protein change: p.Arg1408Gly; replaces arginine 1408 with glycine.
Molecular consequence: missense variant.
Genome position (GRCh38, 1-based): chr11:77,194,423, C>G. VCF-style: chr11-77194423-C-G. GRCh37 (hg19) VCF-style: chr11-76905468-C-G.
Other names: c.4222C>G, p.Arg1408Gly (NM_001127180.2); c.4189C>G, p.Arg1397Gly (NM_001369365.1); short protein forms R1408G, R1397G.
Identifiers: ClinVar variation 178487 (VCV000178487.40), dbSNP rs377391891, ClinGen allele CA182422.

ClinVar aggregate classification (germline): Uncertain significance. Review status: criteria provided, multiple submitters, no conflicts (2 of 4 stars). 8 submissions from 8 submitters: Uncertain significance (7). 1 of the submissions does not count toward it. Last evaluated 2025-11-11.

Conditions:
MYO7A-related disorder. Also called: MYO7A-related disorders.
Inborn genetic diseases. Identifiers: MedGen C0950123, MeSH D030342.
Usher syndrome type 1B (USH1B). Also called: Usher syndrome type IB. Identifiers: MedGen C1848638, MONDO:0700087.

Allele frequency attached by ClinVar (database versions not stated): gnomAD 0.00003; TOPMed 0.00010; ESP Exome Variant Server 0.00016.
gnomAD v4.1: 123 of 1,612,056 alleles (0.0076%); highest among the groups gnomAD compares: Non-Finnish European, 0.0098%; 1 homozygote.

Submissions (8):

PreventionGenetics, part of Exact Sciences
Classification: Uncertain significance for MYO7A-related condition. Last evaluated: 2025-11-11. Review status: criteria provided, single submitter. Criteria: ACMG Guidelines, 2015. Collection method: clinical testing. Allele origin: germline.
Comment: The MYO7A c.4222C>G variant is predicted to result in the amino acid substitution p.Arg1408Gly. To our knowledge, this variant has not been reported in the literature. This variant is reported in 0.0040% of alleles in individuals of European (Non-Finnish) descent in gnomAD. At this time, the clinical significance of this variant is uncertain due to the absence of conclusive functional and genetic evidence.

Labcorp Genetics (formerly Invitae), Labcorp
Classification: Uncertain significance. Last evaluated: 2025-06-22. Review status: criteria provided, single submitter. Criteria: Invitae Variant Classification Sherloc (09022015). Collection method: clinical testing. Allele origin: germline.
Comment: This sequence change replaces arginine, which is basic and polar, with glycine, which is neutral and non-polar, at codon 1408 of the MYO7A protein (p.Arg1408Gly). This variant is present in population databases (rs377391891, gnomAD 0.004%). This variant has not been reported in the literature in individuals affected with MYO7A-related conditions. ClinVar contains an entry for this variant (Variation ID: 178487). Invitae Evidence Modeling of protein sequence and biophysical properties (such as structural, functional, and spatial information, amino acid conservation, physicochemical variation, residue mobility, and thermodynamic stability) indicates that this missense variant is not expected to disrupt MYO7A protein function with a negative predictive value of 95%. In summary, the available evidence is currently insufficient to determine the role of this variant in disease. Therefore, it has been classified as a Variant of Uncertain Significance.

Ambry Genetics
Classification: Uncertain significance for Inborn genetic diseases. Last evaluated: 2024-12-11. Review status: criteria provided, single submitter. Criteria: Ambry Variant Classification Scheme 2023. Collection method: clinical testing. Allele origin: germline.

CeGaT Center for Human Genetics Tuebingen
Classification: Uncertain significance. Last evaluated: 2024-01-01. Review status: criteria provided, single submitter. Criteria: CeGaT Center For Human Genetics Tuebingen Variant Classification Criteria Version 2. Collection method: clinical testing. Allele origin: germline. Affected: yes. Observed: 1 variant allele.

Blueprint Genetics
Classification: Uncertain significance. Last evaluated: 2023-04-28. Review status: criteria provided, single submitter. Criteria: ACMG Guidelines, 2015. Collection method: clinical testing. Allele origin: germline.

GeneDx
Classification: Uncertain significance. Last evaluated: 2023-01-24. Review status: criteria provided, single submitter. Criteria: GeneDx Variant Classification Process June 2021. Collection method: clinical testing. Allele origin: germline. Affected: yes.
Comment: In silico analysis supports that this missense variant has a deleterious effect on protein structure/function; Has not been previously published as pathogenic or benign to our knowledge

Laboratory for Molecular Medicine, Mass General Brigham Personalized Medicine
Classification: Uncertain significance. Last evaluated: 2013-11-22. Review status: criteria provided, single submitter. Criteria: LMM Criteria. Collection method: clinical testing. Allele origin: germline. Observed: 1 variant allele.
Comment: The Arg1408Gly variant in MYO7A has not been previously reported in individuals with hearing loss, but has been identified in 0.02% (2/8364) of European America n chromosomes by the NHLBI Exome Sequencing Project (u; dbSNP rs377391891). Computational analyses (biochemical amino acid properties , conservation, AlignGVGD, PolyPhen2, and SIFT) suggest that this may impact the protein, though this information is not predictive enough to determine pathogen icity. In summary, additional data is needed to fully assess the clinical signif icance of this variant.

Natera, Inc.
Classification: Uncertain significance for Usher syndrome type 1B. Last evaluated: 2019-11-11. Review status: no assertion criteria provided. Collection method: clinical testing. Allele origin: germline. Not counted in ClinVar's aggregate classification.